The following is an entry in ClinVar:

ClinVar aggregate classification (germline): Likely benign. Review status: criteria provided, multiple submitters, no conflicts (2 of 4 stars). 3 submissions from 3 submitters: Likely benign (2). 1 of the submissions does not count toward it. Last evaluated 2025-11-23.

Conditions:
Cardiovascular phenotype. Identifiers: MedGen CN230736.
Hypertrophic cardiomyopathy. Also called: HYPERTROPHIC MYOCARDIOPATHY. Identifiers: Orphanet 217569, MedGen C0007194, MeSH D002312, MONDO:0005045, HP:0001639.
JPH2-related disorder. Also called: JPH2-related condition.

Allele frequency attached by ClinVar (database versions not stated): gnomAD exomes 0.00001.
gnomAD v4.1: 14 of 1,573,738 alleles (0.00089%); highest among the groups gnomAD compares: Admixed American, 0.0036%; no homozygotes.

Submissions (3):

Labcorp Genetics (formerly Invitae), Labcorp
Classification: Likely benign for Hypertrophic cardiomyopathy. Last evaluated: 2025-11-23. Review status: criteria provided, single submitter. Criteria: Invitae Variant Classification Sherloc (09022015). Collection method: clinical testing. Allele origin: germline.

Ambry Genetics
Classification: Likely benign for Cardiovascular phenotype. Last evaluated: 2024-07-24. Review status: criteria provided, single submitter. Criteria: Ambry Variant Classification Scheme 2023. Collection method: clinical testing. Allele origin: germline.

PreventionGenetics, part of Exact Sciences
Classification: Likely benign for JPH2-related condition. Last evaluated: 2020-04-28. Review status: no assertion criteria provided. Collection method: clinical testing. Allele origin: germline. Not counted in ClinVar's aggregate classification.
Comment: This variant is classified as likely benign based on ACMG/AMP sequence variant interpretation guidelines (Richards et al. 2015 PMID: 25741868, with internal and published modifications).

NM_020433.5(JPH2):c.1770C>T (p.Ser590=)

Gene: JPH2 (junctophilin 2; minus strand). Cytogenetic location: 20q13.12.
Variant type: single nucleotide variant.
Coding change: c.1770C>T on transcript NM_020433.5 (MANE Select); coding-DNA position 1770, C replaced by T.
Protein change: p.Ser590=; no amino-acid change (serine 590 retained).
Molecular consequence: synonymous variant.
Genome position (GRCh38, 1-based): chr20:44,115,905, G>A on the plus strand (C>T on the coding strand, the complement: JPH2 is on the minus strand). VCF-style: chr20-44115905-G-A. GRCh37 (hg19) VCF-style: chr20-42744545-G-A.
Other names: c.1770C>T (NM_020433.4).
Identifiers: ClinVar variation 1142571 (VCV001142571.12), dbSNP rs755757325, ClinGen allele CA9868617.